The following is an entry in ClinVar:

ClinVar aggregate classification (germline): Likely benign. Review status: criteria provided, multiple submitters, no conflicts (2 of 4 stars). 4 submissions from 4 submitters: Likely benign (4). Last evaluated 2026-01-24.

Conditions:
Inborn genetic diseases. Identifiers: MedGen C0950123, MeSH D030342.
Neuronal ceroid lipofuscinosis. Also called: Neuronal Ceroid Lipofuscinoses. Identifiers: Orphanet 216, Orphanet 79263, MedGen C0027877, MONDO:0016295. Disease mechanism: loss of function.

Allele frequency attached by ClinVar (database versions not stated): gnomAD exomes 0.00002; TOPMed 0.00002; ExAC 0.00004; gnomAD 0.00004.
gnomAD v4.1: 42 of 1,613,210 alleles (0.0026%); highest among the groups gnomAD compares: South Asian, 0.0099%; 1 homozygote.

Submissions (4):

Labcorp Genetics (formerly Invitae), Labcorp
Classification: Likely benign for Neuronal ceroid lipofuscinosis. Last evaluated: 2026-01-24. Review status: criteria provided, single submitter. Criteria: Invitae Variant Classification Sherloc (09022015). Collection method: clinical testing. Allele origin: germline.

Blueprint Genetics
Classification: Likely benign. Last evaluated: 2023-01-03. Review status: criteria provided, single submitter. Criteria: ACMG Guidelines, 2015. Collection method: clinical testing. Allele origin: germline.

Ambry Genetics
Classification: Likely benign for Inborn genetic diseases. Last evaluated: 2018-03-26. Review status: criteria provided, single submitter. Criteria: Ambry Variant Classification Scheme 2023. Collection method: clinical testing. Allele origin: germline.

GeneDx
Classification: Likely benign. Last evaluated: 2016-03-29. Review status: criteria provided, single submitter. Criteria: GeneDx Variant Classification (06012015). Collection method: clinical testing. Allele origin: germline. Affected: yes.
Comment: This variant is considered likely benign or benign based on one or more of the following criteria: it is a conservative change, it occurs at a poorly conserved position in the protein, it is predicted to be benign by multiple in silico algorithms, and/or has population frequency not consistent with disease.

NM_001909.5(CTSD):c.510C>T (p.Gly170=)

Gene: CTSD (cathepsin D; minus strand). Cytogenetic location: 11p15.5.
Variant type: single nucleotide variant.
Coding change: c.510C>T on transcript NM_001909.5 (MANE Select); coding-DNA position 510, C replaced by T.
Protein change: p.Gly170=; no amino-acid change (glycine 170 retained).
Molecular consequence: synonymous variant.
Genome position (GRCh38, 1-based): chr11:1,757,518, G>A on the plus strand (C>T on the coding strand, the complement: CTSD is on the minus strand). VCF-style: chr11-1757518-G-A. GRCh37 (hg19) VCF-style: chr11-1778748-G-A.
Identifiers: ClinVar variation 384831 (VCV000384831.12), dbSNP rs749196696, ClinGen allele CA5814149.